The following is an entry in ClinVar:

NM_000404.4(GLB1):c.808T>G (p.Tyr270Asp)

Gene: GLB1 (galactosidase beta 1; minus strand). Cytogenetic location: 3p22.3.
Variant type: single nucleotide variant.
Coding change: c.808T>G on transcript NM_000404.4 (MANE Select); coding-DNA position 808, T replaced by G.
Protein change: p.Tyr270Asp; replaces tyrosine 270 with aspartic acid.
Molecular consequence: missense variant.
Genome position (GRCh38, 1-based): chr3:33,051,989, A>C on the plus strand (T>G on the coding strand, the complement: GLB1 is on the minus strand). VCF-style: chr3-33051989-A-C. GRCh37 (hg19) VCF-style: chr3-33093481-A-C.
Other names: c.808T>G (NM_000404.3); c.718T>G, p.Tyr240Asp (NM_001079811.3); c.415T>G, p.Tyr139Asp (NM_001135602.3); c.952T>G, p.Tyr318Asp (NM_001317040.2); c.808T>G, p.Tyr270Asp (NM_001393580.1); short protein forms Y270D, Y318D, Y139D, Y240D.
Identifiers: ClinVar variation 284172 (VCV000284172.26), dbSNP rs376663785, ClinGen allele CA2299582.

ClinVar aggregate classification (germline): Pathogenic/Likely pathogenic. Review status: criteria provided, multiple submitters, no conflicts (2 of 4 stars). 11 submissions from 11 submitters: Pathogenic (9); Likely pathogenic (1). 1 of the submissions does not count toward it. Last evaluated 2025-12-21.

Conditions:
GLB1-related disorder. Also called: GLB1-related disorders. Identifiers: MedGen CN377807.
Inborn genetic diseases. Identifiers: MedGen C0950123, MeSH D030342.
GM1 gangliosidosis type 3. Also called: Beta-galactosidase deficiency; Adult GM1 gangliosidosis; Type 3 (adult) GM1 gangliosidosis; GM1-GANGLIOSIDOSIS, TYPE III; Gangliosidosis, Generalized GM1, Type 3; GANGLIOSIDOSIS, GENERALIZED GM1, ADULT TYPE. Identifiers: Orphanet 79257, MedGen C0268273, MONDO:0009262, OMIM 230650.
GM1 gangliosidosis type 2. Also called: Juvenile GM>1< gangliosidosis; GM1-GANGLIOSIDOSIS, TYPE II; Gangliosidosis, Generalized GM1, Type 2; GANGLIOSIDOSIS, GENERALIZED GM1, JUVENILE TYPE; GANGLIOSIDOSIS, GENERALIZED GM1, TYPE II. Identifiers: Orphanet 354, Orphanet 79256, MedGen C0268272, MONDO:0009261, OMIM 230600.
Infantile GM1 gangliosidosis. Also called: GM1-gangliosidosis, type I; Gangliosidosis, generalized GM1, infantile form; GLB1 deficiency; GM1 gangliosidosis type 1; Gangliosidosis, Generalized GM1, Type 1. Identifiers: Orphanet 354, Orphanet 79255, MedGen C0268271, MONDO:0009260, OMIM 230500.
Mucopolysaccharidosis, MPS-IV-B (MPS4B). Also called: Mucopolysaccharidosis type IVB (Morquio); MPS IVB; Mucopolysaccharidosis Type IVB (Morquio B Disease); MORQUIO SYNDROME B; Mucopolysaccharidosis type 4B; Mucopolysaccharidosis type IV B. Identifiers: Orphanet 309310, Orphanet 582, MedGen C0086652, MONDO:0009660, OMIM 253010.
GM1 gangliosidosis. Identifiers: Orphanet 354, MedGen C0085131, MONDO:0018149.

Allele frequency attached by ClinVar (database versions not stated): gnomAD 0.00001; ExAC 0.00002; gnomAD exomes 0.00002; TOPMed 0.00002; ESP Exome Variant Server 0.00008.
gnomAD v4.1: 30 of 1,614,098 alleles (0.0019%); highest among the groups gnomAD compares: Non-Finnish European, 0.0025%; no homozygotes.

Submissions (11):

Labcorp Genetics (formerly Invitae), Labcorp
Classification: Pathogenic for Mucopolysaccharidosis, MPS-IV-B; GM1 gangliosidosis. Last evaluated: 2025-12-21. Review status: criteria provided, single submitter. Criteria: Invitae Variant Classification Sherloc (09022015). Collection method: clinical testing. Allele origin: germline.
Comment: This sequence change replaces tyrosine, which is neutral and polar, with aspartic acid, which is acidic and polar, at codon 270 of the GLB1 protein (p.Tyr270Asp). This variant is present in population databases (rs376663785, gnomAD 0.005%). This missense change has been observed in individual(s) with GLB1-related conditions (PMID: 11511921, 19472408, 21520340; internal data). ClinVar contains an entry for this variant (Variation ID: 284172). Invitae Evidence Modeling of protein sequence and biophysical properties (such as structural, functional, and spatial information, amino acid conservation, physicochemical variation, residue mobility, and thermodynamic stability) indicates that this missense variant is expected to disrupt GLB1 protein function with a positive predictive value of 95%. For these reasons, this variant has been classified as Pathogenic.

Natera, Inc.
Classification: Pathogenic for Mucopolysaccharidosis, MPS-IV-B. Last evaluated: 2025-08-10. Review status: criteria provided, single submitter. Criteria: Natera Variant Classification Schema (03/2026). Collection method: clinical testing. Allele origin: germline.
Comment: The c.808T>G variant in GLB1 is a missense variant predicted to cause substitution of tyrosine to aspartic acid at amino acid 270. This variant is rare in the general population with a frequency below the threshold expected for the associated phenotype(s). This variant has been observed in one or more individuals affected with the associated recessive disease, as either homozygous or compound heterozygous with a second variant (PMID: 19472408). Given the available evidence, this variant is classified as Pathogenic.

Laboratory of Genetics, Children's Clinical University Hospital Latvia
Classification: Pathogenic. Last evaluated: 2025-02-16. Review status: criteria provided, single submitter. Criteria: ACMG Guidelines, 2015. Collection method: clinical testing. Allele origin: germline. Affected: yes.

Blueprint Genetics
Classification: Pathogenic for GLB1-related disorders. Last evaluated: 2024-08-21. Review status: criteria provided, single submitter. Criteria: ACMG Guidelines, 2015. Collection method: clinical testing. Allele origin: germline. Affected: yes. Observed: 5 variant alleles.

GeneDx
Classification: Pathogenic. Last evaluated: 2022-09-29. Review status: criteria provided, single submitter. Criteria: GeneDx Variant Classification Process June 2021. Collection method: clinical testing. Allele origin: germline. Affected: yes.
Comment: Published functional studies demonstrate a damaging effect: undetectable enzyme activity (Hofer et al., 2009; Higaki et al., 2011); Not observed at a significant frequency in large population cohorts (gnomAD); In silico analysis supports that this missense variant has a deleterious effect on protein structure/function; This variant is associated with the following publications: (PMID: 18937943, 20409738, 21520340, 18546276, 33737400, 22784478, 19472408, 31761138, 11511921, 32036093, 34691145)

MGZ Medical Genetics Center
Classification: Likely pathogenic for Mucopolysaccharidosis, MPS-IV-B. Last evaluated: 2022-04-14. Review status: criteria provided, single submitter. Criteria: ACMG Guidelines, 2015. Collection method: clinical testing. Allele origin: germline. Affected: yes. Observed: 2 variant alleles.
Comment: ACMG criteria applied: PS3_MOD, PS4_MOD, PM5, PM2_SUP, PP3

Institute of Medical Genetics and Applied Genomics, University Hospital Tübingen
Classification: Pathogenic. Last evaluated: 2020-10-23. Review status: criteria provided, single submitter. Criteria: ACMG Guidelines, 2015. Collection method: clinical testing. Allele origin: germline. Inheritance: Autosomal recessive inheritance. Affected: yes.

Women's Health and Genetics/Laboratory Corporation of America, LabCorp
Classification: Pathogenic for Mucopolysaccharidosis, MPS-IV-B. Last evaluated: 2018-02-08. Review status: criteria provided, single submitter. Criteria: LabCorp Variant Classification Summary - May 2015. Collection method: clinical testing. Allele origin: germline.
Comment: Variant summary: GLB1 c.808T>G (p.Tyr270Asp) results in a non-conservative amino acid change located in the catalytic domain of the encoded protein sequence. Five of five in-silico tools predict a damaging effect of the variant on protein function. At least one publication reports experimental evidence evaluating an impact on protein function. The most pronounced variant effect results in <10% of normal activity. The variant allele was found at a frequency of 2.2e-05 in 6/277174 control chromosomes. This frequency is not significantly higher than expected for a pathogenic variant in GLB1 causing Mucopolysaccharidosis Type IVB (Morquio Syndrome B) (2.2e-05 vs 0.00091), allowing no conclusion about variant significance. The c.808T>G has been reported in the literature in multiple individuals affected with Mucopolysaccharidosis Type IVB (Morquio Syndrome B) and GM1 gangliosidosis. These data indicate that the variant is very likely to be associated with disease. One clinical diagnostic laboratory has submitted clinical-significance assessments for this variant to ClinVar after 2014 without evidence for independent evaluation and classified the variant as pathogenic. Based on the evidence outlined above, the variant was classified as pathogenic.

Ambry Genetics
Classification: Pathogenic for Inborn genetic diseases. Last evaluated: 2016-04-26. Review status: criteria provided, single submitter. Criteria: Ambry exome assertion method (8-5-2015). Collection method: clinical testing. Allele origin: germline. Affected: yes. Observed: 1 variant allele.

Eurofins Ntd Llc (ga)
Classification: Pathogenic. Last evaluated: 2015-10-21. Review status: criteria provided, single submitter. Criteria: EGL Classification Definitions 2015. Collection method: clinical testing. Allele origin: germline.

Counsyl
Classification: Likely pathogenic for Infantile GM1 gangliosidosis; GM1 gangliosidosis type 2; GM1 gangliosidosis type 3; Mucopolysaccharidosis, MPS-IV-B. Last evaluated: 2017-04-06. Review status: no assertion criteria provided. Collection method: clinical testing. Allele origin: unknown. Not counted in ClinVar's aggregate classification.

Literature cited by the submitters: PubMed 11511921 (cited by Labcorp Genetics (formerly Invitae), Labcorp and Women's Health and Genetics/Laboratory Corporation of America, LabCorp); PubMed 19472408 (cited by 5 submitters); PubMed 21520340 (cited by Labcorp Genetics (formerly Invitae), Labcorp and Counsyl).